The following is an entry in ClinVar:

ClinVar aggregate classification (germline): Uncertain significance (1 of 4 stars; one submission).

gnomAD v4.1: 2 of 1,518,524 alleles (0.00013%); highest among the groups gnomAD compares: Admixed American, 0.002%; no homozygotes.

Submission:

GeneDx
Classification: Uncertain significance. Last evaluated: 2024-07-30. Review status: criteria provided, single submitter. Criteria: GeneDx Variant Classification Process June 2021. Collection method: clinical testing. Allele origin: germline. Affected: yes.
Comment: Not observed at significant frequency in large population cohorts (gnomAD); In silico analysis supports that this missense variant has a deleterious effect on protein structure/function; Has not been previously published as pathogenic or benign to our knowledge

NM_001385012.1(NBEA):c.5904A>T (p.Arg1968Ser)

Gene: NBEA (neurobeachin; plus strand). Cytogenetic location: 13q13.3.
Variant type: single nucleotide variant.
Coding change: c.5904A>T on transcript NM_001385012.1 (MANE Select); coding-DNA position 5904, A replaced by T.
Protein change: p.Arg1968Ser; replaces arginine 1968 with serine.
Molecular consequence: missense variant.
Genome position (GRCh38, 1-based): chr13:35,349,108, A>T. VCF-style: chr13-35349108-A-T. GRCh37 (hg19) VCF-style: chr13-35923245-A-T.
Other names: c.5895A>T, p.Arg1965Ser (NM_001379245.1); c.5904A>T, p.Arg1968Ser (NM_015678.5); short protein forms R1965S, R1968S.
Identifiers: ClinVar variation 3602441 (VCV003602441.1).
Genomic context (GRCh38, chr13:35,349,108, plus strand): 5'-AAAAATTGGACTGACCAAAGCTATTAAGAATAATATTTCTAAAGGTATTTTTCTTTTTAG[A>T]TTACTGTGCCATGCTATGAAGGACCATATAGTCCGTGTTGCAAATGAAGCTGAGTTTATT-3'
Protein context (NP_001371941.1, residues 1958-1978): LAFIELINEG[Arg1968Ser]LLCHAMKDHI